The following is an entry in ClinVar:

ClinVar aggregate classification (germline): Uncertain significance (1 of 4 stars; one submission).

Submission:

Labcorp Genetics (formerly Invitae), Labcorp
Classification: Uncertain significance. Last evaluated: 2022-09-03. Review status: criteria provided, single submitter. Criteria: Invitae Variant Classification Sherloc (09022015). Collection method: clinical testing. Allele origin: germline.
Comment: In summary, the available evidence is currently insufficient to determine the role of this variant in disease. Therefore, it has been classified as a Variant of Uncertain Significance. Algorithms developed to predict the effect of missense changes on protein structure and function (SIFT, PolyPhen-2, Align-GVGD) all suggest that this variant is likely to be disruptive. ClinVar contains an entry for this variant (Variation ID: 1518635). This variant has not been reported in the literature in individuals affected with POLR3B-related conditions. This variant is not present in population databases (gnomAD no frequency). This sequence change replaces glutamic acid, which is acidic and polar, with glycine, which is neutral and non-polar, at codon 175 of the POLR3B protein (p.Glu175Gly).

NM_018082.6(POLR3B):c.524A>G (p.Glu175Gly)

Gene: POLR3B (RNA polymerase III subunit B; plus strand). Cytogenetic location: 12q23.3.
Variant type: single nucleotide variant.
Coding change: c.524A>G on transcript NM_018082.6 (MANE Select); coding-DNA position 524, A replaced by G.
Protein change: p.Glu175Gly; replaces glutamic acid 175 with glycine.
Molecular consequence: missense variant.
Genome position (GRCh38, 1-based): chr12:106,378,294, A>G. VCF-style: chr12-106378294-A-G. GRCh37 (hg19) VCF-style: chr12-106772072-A-G.
Other names: c.350A>G, p.Glu117Gly (NM_001160708.2); short protein forms E175G, E117G.
Identifiers: ClinVar variation 1518635 (VCV001518635.6), dbSNP rs2136899573, ClinGen allele CA386386597.